The following is an entry in ClinVar:

NM_021831.6(AGBL5):c.374G>A (p.Arg125Gln)

Gene: AGBL5 (AGBL carboxypeptidase 5; plus strand). Cytogenetic location: 2p23.3.
Variant type: single nucleotide variant.
Coding change: c.374G>A on transcript NM_021831.6 (MANE Select); coding-DNA position 374, G replaced by A.
Protein change: p.Arg125Gln; replaces arginine 125 with glutamine.
Molecular consequence: missense variant. On other transcripts: non-coding transcript variant (2).
Genome position (GRCh38, 1-based): chr2:27,053,560, G>A. VCF-style: chr2-27053560-G-A. GRCh37 (hg19) VCF-style: chr2-27276428-G-A.
Other names: c.374G>A, p.Arg125Gln (NM_001035507.3); short protein forms R125Q.
Identifiers: ClinVar variation 961518 (VCV000961518.7), dbSNP rs759693030, ClinGen allele CA1567614.

ClinVar aggregate classification (germline): Uncertain significance (1 of 4 stars; one submission).

Allele frequency attached by ClinVar (database versions not stated): gnomAD exomes 0.00002 and 0.00003; TOPMed 0.00002; ExAC 0.00003; gnomAD 0.00004 and 0.00005.
gnomAD v4.1: 30 of 1,612,620 alleles (0.0019%); highest among the groups gnomAD compares: Admixed American, 0.012%; no homozygotes.

Submission:

Labcorp Genetics (formerly Invitae), Labcorp
Classification: Uncertain significance. Last evaluated: 2024-11-05. Review status: criteria provided, single submitter. Criteria: Invitae Variant Classification Sherloc (09022015). Collection method: clinical testing. Allele origin: germline.
Comment: This sequence change replaces arginine, which is basic and polar, with glutamine, which is neutral and polar, at codon 125 of the AGBL5 protein (p.Arg125Gln). This variant is present in population databases (rs759693030, gnomAD 0.01%). This variant has not been reported in the literature in individuals affected with AGBL5-related conditions. ClinVar contains an entry for this variant (Variation ID: 961518). An algorithm developed to predict the effect of missense changes on protein structure and function (PolyPhen-2) suggests that this variant is likely to be tolerated. In summary, the available evidence is currently insufficient to determine the role of this variant in disease. Therefore, it has been classified as a Variant of Uncertain Significance.